The following is an entry in ClinVar:

NM_007294.4(BRCA1):c.282G>C (p.Gln94His)

Gene: BRCA1 (BRCA1 DNA repair associated; minus strand). Cytogenetic location: 17q21.31.
Variant type: single nucleotide variant.
Coding change: c.282G>C on transcript NM_007294.4 (MANE Select); coding-DNA position 282, G replaced by C.
Protein change: p.Gln94His; replaces glutamine 94 with histidine.
Molecular consequence: missense variant. On other transcripts: non-coding transcript variant (1).
Genome position (GRCh38, 1-based): chr17:43,104,887, C>G on the plus strand (G>C on the coding strand, the complement: BRCA1 is on the minus strand). VCF-style: chr17-43104887-C-G. GRCh37 (hg19) VCF-style: chr17-41256904-C-G.
Other names: c.72G>C, p.Gln24His (NM_001407957.1, NM_001407958.1, NM_001408478.1 and 58 more transcripts); c.-100G>C (NM_001407959.1, NM_001407960.1, NM_001407962.1 and 4 more transcripts); c.141G>C, p.Gln47His (NM_001407964.1, NM_001408410.1, NM_001408452.1 and 99 more transcripts); c.282G>C, p.Gln94His (NM_001407968.1, NM_001407969.1, NM_001407970.1 and 168 more transcripts); c.204G>C, p.Gln68His (NM_001408409.1, NM_001408411.1, NM_001408412.1 and 21 more transcripts); c.150G>C, p.Gln50His (NM_001408451.1); short protein forms Q47H, Q94H, Q50H, Q68H, Q24H.
Identifiers: ClinVar variation 865632 (VCV000865632.5), dbSNP rs1597898117, ClinGen allele CA10601590.

ClinVar aggregate classification (germline): Conflicting classifications of pathogenicity. Review status: criteria provided, conflicting classifications (1 of 4 stars). 2 submissions from 2 submitters: Uncertain significance (1); Likely benign (1). Last evaluated 2025-07-13.

Conditions:
Hereditary breast ovarian cancer syndrome. Also called: Hereditary breast and/or ovarian cancer syndrome; BRCA1- and BRCA2-Associated Hereditary Breast and Ovarian Cancer; Hereditary breast and ovarian cancer syndrome; Hereditary breast and ovarian cancer; Hereditary breast and ovarian cancer syndrome (HBOC); Breast and ovarian cancer. Identifiers: Orphanet 145, MedGen C0677776, MeSH D061325, MONDO:0003582. Disease mechanism: loss of function.
Hereditary cancer-predisposing syndrome. Also called: Tumor predisposition; Hereditary Cancer Syndrome; Hereditary neoplastic syndrome; Neoplastic Syndromes, Hereditary. Identifiers: Orphanet 140162, MedGen C0027672, MeSH D009386, MONDO:0015356.

Allele frequency attached by ClinVar (database versions not stated): TOPMed below 0.00001.

Submissions (3):

Labcorp Genetics (formerly Invitae), Labcorp
Classification: Uncertain significance for Hereditary breast ovarian cancer syndrome. Last evaluated: 2025-07-13. Review status: criteria provided, single submitter. Criteria: Invitae Variant Classification Sherloc (09022015). Collection method: clinical testing. Allele origin: germline.
Comment: This sequence change replaces glutamine, which is neutral and polar, with histidine, which is basic and polar, at codon 94 of the BRCA1 protein (p.Gln94His). This variant is not present in population databases (gnomAD no frequency). This missense change has been observed in individual(s) with breast and/or ovarian cancer (PMID: 29215753, 30287823, 35218119). ClinVar contains an entry for this variant (Variation ID: 865632). Invitae Evidence Modeling incorporating data from in vitro experimental studies (PMID: 30209399) indicates that this missense variant is not expected to disrupt BRCA1 function with a negative predictive value of 95%. Experimental studies have shown that this missense change does not substantially affect BRCA1 function (PMID: 32546644). In summary, the available evidence is currently insufficient to determine the role of this variant in disease. Therefore, it has been classified as a Variant of Uncertain Significance.

Ambry Genetics
Classification: Likely benign for Hereditary cancer-predisposing syndrome. Last evaluated: 2024-09-21. Review status: criteria provided, single submitter. Criteria: Ambry Variant Classification Scheme 2023. Collection method: clinical testing. Allele origin: germline.

Brotman Baty Institute, University of Washington
No classification provided (evidence only). Condition: Breast-ovarian cancer, familial 1. Review status: no classification provided. Collection method: in vitro. Allele origin: not applicable. Functional consequence: functionally_normal. Not counted in ClinVar's aggregate classification.
ClinVar note: "not provided" was previously submitted as the classification for the variant. However, the classification appeared to be based only on an observation of functional data so it was converted to no classification on 2025-07-30.

Literature cited by the submitters: PubMed 29215753 (cited by Labcorp Genetics (formerly Invitae), Labcorp); PubMed 30287823 (cited by Labcorp Genetics (formerly Invitae), Labcorp); PubMed 35218119 (cited by Labcorp Genetics (formerly Invitae), Labcorp); PubMed 30209399 (cited by Labcorp Genetics (formerly Invitae), Labcorp); PubMed 32546644 (cited by Labcorp Genetics (formerly Invitae), Labcorp).